The following is an entry in ClinVar:

NM_000051.4(ATM):c.5162C>T (p.Thr1721Ile)

Gene: ATM (ATM serine/threonine kinase; plus strand). Cytogenetic location: 11q22.3.
Variant type: single nucleotide variant.
Coding change: c.5162C>T on transcript NM_000051.4 (MANE Select); coding-DNA position 5162, C replaced by T.
Protein change: p.Thr1721Ile; replaces threonine 1721 with isoleucine.
Molecular consequence: missense variant.
Genome position (GRCh38, 1-based): chr11:108,299,870, C>T. VCF-style: chr11-108299870-C-T. GRCh37 (hg19) VCF-style: chr11-108170597-C-T.
Other names: c.5162C>T, p.Thr1721Ile (NM_001351834.2); short protein forms T1721I.
Identifiers: ClinVar variation 187672 (VCV000187672.10), dbSNP rs786203910, ClinGen allele CA198258.
Genomic context (GRCh38, chr11:108,299,870, plus strand): 5'-AGTTATTTGAAGATAAAGAACTTCAGTGGACCTTCATAATGCTGACCTACCTGAATAACA[C>T]ACTGGTAGAAGATTGGTGAGTATTTATTGATACCTTATATGTAATCTCAATATGACATTC-3'
Protein context (NP_000042.3, residues 1711-1731): TFIMLTYLNN[Thr1721Ile]LVEDCVKVRS

ClinVar aggregate classification (germline): Uncertain significance. Review status: criteria provided, multiple submitters, no conflicts (2 of 4 stars). 2 submissions from 2 submitters: Uncertain significance (2). Last evaluated 2025-05-21.

Conditions:
Hereditary cancer-predisposing syndrome. Also called: Hereditary Cancer Syndrome; Neoplastic Syndromes, Hereditary; Tumor predisposition; Hereditary neoplastic syndrome. Identifiers: Orphanet 140162, MedGen C0027672, MeSH D009386, MONDO:0015356.
Ataxia-telangiectasia syndrome (AT). Also called: Ataxia-telangiectasia, complementation group D; AT, COMPLEMENTATION GROUP C; ATAXIA-TELANGIECTASIA, COMPLEMENTATION GROUP A; ATAXIA-TELANGIECTASIA, FRESNO VARIANT; Ataxia-telangiectasia; LOUIS-BAR SYNDROME. Identifiers: Orphanet 100, MedGen C0004135, MONDO:0008840, OMIM 208900.

Allele frequency attached by ClinVar (database versions not stated): TOPMed 0.00001.

Submissions (2):

Ambry Genetics
Classification: Uncertain significance for Hereditary cancer-predisposing syndrome. Last evaluated: 2025-05-21. Review status: criteria provided, single submitter. Criteria: Ambry Variant Classification Scheme 2023. Collection method: clinical testing. Allele origin: germline.
Comment: The p.T1721I variant (also known as c.5162C>T), located in coding exon 33 of the ATM gene, results from a C to T substitution at nucleotide position 5162. The threonine at codon 1721 is replaced by isoleucine, an amino acid with similar properties. This amino acid position is not well conserved in available vertebrate species. In addition, this alteration is predicted to be tolerated by in silico analysis. Since supporting evidence is limited at this time, the clinical significance of this alteration remains unclear.

Labcorp Genetics (formerly Invitae), Labcorp
Classification: Uncertain significance for Ataxia-telangiectasia syndrome. Last evaluated: 2025-05-19. Review status: criteria provided, single submitter. Criteria: Invitae Variant Classification Sherloc (09022015). Collection method: clinical testing. Allele origin: germline.
Comment: This sequence change replaces threonine, which is neutral and polar, with isoleucine, which is neutral and non-polar, at codon 1721 of the ATM protein (p.Thr1721Ile). This variant is not present in population databases (gnomAD no frequency). This variant has not been reported in the literature in individuals affected with ATM-related conditions. ClinVar contains an entry for this variant (Variation ID: 187672). Invitae Evidence Modeling of protein sequence and biophysical properties (such as structural, functional, and spatial information, amino acid conservation, physicochemical variation, residue mobility, and thermodynamic stability) indicates that this missense variant is not expected to disrupt ATM protein function with a negative predictive value of 95%. In summary, the available evidence is currently insufficient to determine the role of this variant in disease. Therefore, it has been classified as a Variant of Uncertain Significance.